The following is an entry in ClinVar:

NM_144997.7(FLCN):c.979dup (p.Ala327fs)

Gene: FLCN (folliculin; minus strand). Cytogenetic location: 17p11.2.
Variant type: Duplication.
Coding change: c.979dup on transcript NM_144997.7 (MANE Select); coding-DNA position 979, one base duplicated (G; older notation c.979dupG).
Protein change: p.Ala327fs; shifts the reading frame from alanine 327.
Molecular consequence: frameshift variant.
Genome position (GRCh38, 1-based): chr17:17,219,102, C duplicated on the plus strand (G on the coding strand, the reverse complement: FLCN is on the minus strand); the first of 2 consecutive C bases (chr17:17,219,102-17,219,103); duplicating either gives the same sequence. VCF-style (leftmost placement, unchanged base first): chr17-17219101-G-GC. GRCh37 (hg19) VCF-style: chr17-17122415-G-GC.
Other names: c.979dup (LRG_325t1); c.1033dup, p.Ala345fs (NM_001353229.2); c.979dup, p.Ala327fs (NM_001353230.2, NM_001353231.2); c.979dupG (NM_144997.5); short protein forms A345fs, A327fs.
Identifiers: ClinVar variation 460642 (VCV000460642.5), dbSNP rs1555608552, ClinGen allele CA658658537.

ClinVar aggregate classification (germline): Pathogenic (1 of 4 stars; one submission).

Conditions:
Birt-Hogg-Dube syndrome. Also called: Birt Hogg Dubé syndrome. Identifiers: Orphanet 122, MedGen C0346010, MONDO:0800444.

Submission:

Labcorp Genetics (formerly Invitae), Labcorp
Classification: Pathogenic for Birt-Hogg-Dube syndrome. Last evaluated: 2017-01-30. Review status: criteria provided, single submitter. Criteria: Invitae Variant Classification Sherloc (09022015). Collection method: clinical testing. Allele origin: germline.
Comment: This sequence change inserts 1 nucleotide in exon 9 of the FLCN mRNA (c.979dupG), causing a frameshift at codon 327. This creates a premature translational stop signal (p.Ala327Glyfs*63) and is expected to result in an absent or disrupted protein product. While this particular variant has not been reported in the literature, loss-of-function variants in FLCN are known to be pathogenic (PMID: 15852235). For these reasons, this variant has been classified as Pathogenic.

Literature cited by the submitters: PubMed 15852235.